The following is an entry in ClinVar:

NM_000258.3(MYL3):c.559+19G>A

Gene: MYL3 (myosin light chain 3; minus strand). Cytogenetic location: 3p21.31.
Variant type: single nucleotide variant.
Coding change: c.559+19G>A on transcript NM_000258.3 (MANE Select); 19 bases into the intron after coding-DNA position 559, G replaced by A.
Molecular consequence: intron variant.
Genome position (GRCh38, 1-based): chr3:46,858,365, C>T on the plus strand (G>A on the coding strand, the complement: MYL3 is on the minus strand). VCF-style: chr3-46858365-C-T. GRCh37 (hg19) VCF-style: chr3-46899855-C-T.
Identifiers: ClinVar variation 138401 (VCV000138401.11), dbSNP rs552393482, ClinGen allele CA014041.
Genomic context (GRCh38, chr3:46,858,365, plus strand): 5'-GCAACATGGGGAAGCCATGGCTGGGAGCCTGGGTCCCAGCACTCCCCTCCCAGAAGACCC[C>T]TGCCCCTGCTGAGCCCACCTTCATAGTTGATGCAGCCATTGGAGTCCTCTTGCCCAGCCA-3'

ClinVar aggregate classification (germline): Benign/Likely benign. Review status: criteria provided, multiple submitters, no conflicts (2 of 4 stars). 4 submissions from 4 submitters: Benign (3); Likely benign (1). Last evaluated 2026-02-03.

Conditions:
Hypertrophic cardiomyopathy. Also called: HYPERTROPHIC MYOCARDIOPATHY. Identifiers: Orphanet 217569, MedGen C0007194, MeSH D002312, MONDO:0005045, HP:0001639.

Allele frequency attached by ClinVar (database versions not stated): gnomAD 0.00012 and 0.00022; TOPMed 0.00014; gnomAD exomes 0.00033 and 0.00055; ExAC 0.00064; 1000 Genomes Project 0.00140; 1000 Genomes Project 30x 0.00141.
gnomAD v4.1: 517 of 1,614,164 alleles (0.032%); highest among the groups gnomAD compares: South Asian, 0.29%; 3 homozygotes.

Submissions (4):

Labcorp Genetics (formerly Invitae), Labcorp
Classification: Benign for Hypertrophic cardiomyopathy. Last evaluated: 2026-02-03. Review status: criteria provided, single submitter. Criteria: Invitae Variant Classification Sherloc (09022015). Collection method: clinical testing. Allele origin: germline.

Blueprint Genetics
Classification: Likely benign. Last evaluated: 2024-11-26. Review status: criteria provided, single submitter. Criteria: ACMG Guidelines, 2015. Collection method: clinical testing. Allele origin: germline.

Women's Health and Genetics/Laboratory Corporation of America, LabCorp
Classification: Benign. Last evaluated: 2023-10-19. Review status: criteria provided, single submitter. Criteria: LabCorp Variant Classification Summary - May 2015. Collection method: clinical testing. Allele origin: germline.

GeneDx
Classification: Benign. Last evaluated: 2014-01-24. Review status: criteria provided, single submitter. Criteria: GeneDx Variant Classification (06012015). Collection method: clinical testing. Allele origin: germline. Affected: yes.
Comment: This variant is considered likely benign or benign based on one or more of the following criteria: it is a conservative change, it occurs at a poorly conserved position in the protein, it is predicted to be benign by multiple in silico algorithms, and/or has population frequency not consistent with disease.